The following is an entry in ClinVar:

ClinVar aggregate classification (germline): Uncertain significance (1 of 4 stars; one submission).

Conditions:
Epilepsy, childhood absence, susceptibility to, 1. Also called: Epilepsy, childhood absence 1. Identifiers: Orphanet 64280, MedGen C1838604, MONDO:0020759, OMIM 600131.
Epilepsy, childhood absence, susceptibility to, 5. Identifiers: Orphanet 64280, MedGen C2677087, MONDO:0012843, OMIM 612269.

Submission:

Labcorp Genetics (formerly Invitae), Labcorp
Classification: Uncertain significance for Epilepsy, childhood absence, susceptibility to, 5; Epilepsy, childhood absence, susceptibility to, 1. Last evaluated: 2025-12-21. Review status: criteria provided, single submitter. Criteria: Invitae Variant Classification Sherloc (09022015). Collection method: clinical testing. Allele origin: germline.
Comment: This sequence change replaces glycine, which is neutral and non-polar, with arginine, which is basic and polar, at codon 417 of the GABRB3 protein (p.Gly417Arg). This variant is not present in population databases (gnomAD no frequency). This variant has not been reported in the literature in individuals affected with GABRB3-related conditions. Invitae Evidence Modeling of protein sequence and biophysical properties (such as structural, functional, and spatial information, amino acid conservation, physicochemical variation, residue mobility, and thermodynamic stability) indicates that this missense variant is not expected to disrupt GABRB3 protein function with a negative predictive value of 95%. In summary, the available evidence is currently insufficient to determine the role of this variant in disease. Therefore, it has been classified as a Variant of Uncertain Significance.

NM_000814.6(GABRB3):c.1249G>C (p.Gly417Arg)

Gene: GABRB3 (gamma-aminobutyric acid type A receptor subunit beta3; minus strand). Cytogenetic location: 15q12.
Variant type: single nucleotide variant.
Coding change: c.1249G>C on transcript NM_000814.6 (MANE Select); coding-DNA position 1249, G replaced by C.
Protein change: p.Gly417Arg; replaces glycine 417 with arginine.
Molecular consequence: missense variant.
Genome position (GRCh38, 1-based): chr15:26,547,966, C>G on the plus strand (G>C on the coding strand, the complement: GABRB3 is on the minus strand). VCF-style: chr15-26547966-C-G. GRCh37 (hg19) VCF-style: chr15-26793113-C-G.
Other names: c.994G>C, p.Gly332Arg (NM_001278631.2, NM_001191320.2); c.1249G>C, p.Gly417Arg (NM_021912.5); c.1036G>C, p.Gly346Arg (NM_001191321.3); short protein forms G417R, G332R, G346R.
Identifiers: ClinVar variation 4789615 (VCV004789615.1).